The following is an entry in ClinVar:

NM_002168.4(IDH2):c.646G>T (p.Gly216Cys)

Gene: IDH2 (isocitrate dehydrogenase (NADP(+)) 2; minus strand). Cytogenetic location: 15q26.1.
Variant type: single nucleotide variant.
Coding change: c.646G>T on transcript NM_002168.4 (MANE Select); coding-DNA position 646, G replaced by T.
Protein change: p.Gly216Cys; replaces glycine 216 with cysteine.
Molecular consequence: missense variant.
Genome position (GRCh38, 1-based): chr15:90,088,391, C>A on the plus strand (G>T on the coding strand, the complement: IDH2 is on the minus strand). VCF-style: chr15-90088391-C-A. GRCh37 (hg19) VCF-style: chr15-90631623-C-A.
Other names: c.490G>T, p.Gly164Cys (NM_001289910.1); c.256G>T, p.Gly86Cys (NM_001290114.2); short protein forms G164C, G216C, G86C.
Identifiers: ClinVar variation 4070686 (VCV004070686.1).

ClinVar aggregate classification (germline): Uncertain significance (1 of 4 stars; one submission).

Submission:

GeneDx
Classification: Uncertain significance. Last evaluated: 2025-01-15. Review status: criteria provided, single submitter. Criteria: GeneDx Variant Classification Process June 2021. Collection method: clinical testing. Allele origin: germline. Affected: yes.
Comment: Not observed at significant frequency in large population cohorts (gnomAD); In silico analysis supports that this missense variant has a deleterious effect on protein structure/function; Has not been previously published as pathogenic or benign to our knowledge